The following is an entry in ClinVar:

ClinVar aggregate classification (germline): Likely pathogenic (1 of 4 stars; one submission).

Conditions:
Dilated cardiomyopathy 1G (CMD1G). Identifiers: Orphanet 154, MedGen C1858763, MONDO:0011400, OMIM 604145.
Autosomal recessive limb-girdle muscular dystrophy type 2J (LGMDR10). Also called: Limb-girdle muscular dystrophy, type 2J; MUSCULAR DYSTROPHY, LIMB-GIRDLE, AUTOSOMAL RECESSIVE 10. Identifiers: Orphanet 140922, MedGen C1837342, MONDO:0012127, OMIM 608807.

gnomAD v4.1: 2 of 1,613,202 alleles (0.00012%); highest among the groups gnomAD compares: Non-Finnish European, 0.00017%; no homozygotes.

Submission:

Labcorp Genetics (formerly Invitae), Labcorp
Classification: Likely pathogenic for Dilated cardiomyopathy 1G; Autosomal recessive limb-girdle muscular dystrophy type 2J. Last evaluated: 2025-10-28. Review status: criteria provided, single submitter. Criteria: Invitae Variant Classification Sherloc (09022015). Collection method: clinical testing. Allele origin: germline.
Comment: This sequence change affects a donor splice site in intron 206 of the TTN gene. It is expected to disrupt RNA splicing and likely results in a truncated or disrupted TTN protein. This variant is not present in population databases (gnomAD no frequency). This variant has not been reported in the literature in individuals affected with TTN-related conditions. ClinVar contains an entry for this variant (Variation ID: 861633). Algorithms developed to predict the effect of sequence changes on RNA splicing suggest that this variant may disrupt the consensus splice site. This variant is located in the I band of TTN (PMID: 25589632). Truncating variants in this region have been reported in individuals affected with autosomal recessive centronuclear myopathy (PMID: 23975875, internal data). Truncating variants in this region have also been identified in individuals affected with autosomal dominant dilated cardiomyopathy and/or cardio-related conditions (PMID: 27869827, 32964742, internal data). In summary, the currently available evidence indicates that the variant is pathogenic, but additional data are needed to prove that conclusively. Therefore, this variant has been classified as Likely Pathogenic.

Literature cited by the submitters: PubMed 25589632; PubMed 23975875; PubMed 27869827; PubMed 32964742.

NM_001267550.2(TTN):c.39463+1G>C

Gene: TTN (titin; minus strand). Cytogenetic location: 2q31.2.
Variant type: single nucleotide variant.
Coding change: c.39463+1G>C on transcript NM_001267550.2 (MANE Select); the canonical splice donor site of the intron after coding-DNA position 39463, G replaced by C.
Molecular consequence: splice donor variant. On other transcripts: intron variant (3).
Genome position (GRCh38, 1-based): chr2:178,651,665, C>G on the plus strand (G>C on the coding strand, the complement: TTN is on the minus strand). VCF-style: chr2-178651665-C-G. GRCh37 (hg19) VCF-style: chr2-179516392-C-G.
Other names: c.13283-9348G>C (NM_003319.4); c.13859-9348G>C (NM_133437.4); c.13658-9348G>C (NM_133432.3); c.32161+1G>C (NM_133378.4); c.34942+1G>C (NM_001256850.1).
Identifiers: ClinVar variation 861633 (VCV000861633.10), dbSNP rs1553770003, ClinGen allele CA349456203.